The following is an entry in ClinVar:

ClinVar aggregate classification (germline): Uncertain significance (1 of 4 stars; one submission).

Submission:

Ambry Genetics
Classification: Uncertain significance. Last evaluated: 2025-08-20. Review status: criteria provided, single submitter. Criteria: Ambry Variant Classification Scheme 2023. Collection method: clinical testing. Allele origin: germline.
Comment: The p.H1446R variant (also known as c.4337A>G), located in coding exon 39 of the KIF1B gene, results from an A to G substitution at nucleotide position 4337. The histidine at codon 1446 is replaced by arginine, an amino acid with highly similar properties. This amino acid position is conserved. In addition, this alteration is predicted to be deleterious by in silico analysis. Based on the available evidence, the clinical significance of this variant remains unclear.

NM_001365951.3(KIF1B):c.4475A>G (p.His1492Arg)

Gene: KIF1B (kinesin family member 1B; plus strand). Cytogenetic location: 1p36.22.
Variant type: single nucleotide variant.
Coding change: c.4475A>G on transcript NM_001365951.3 (MANE Select); coding-DNA position 4475, A replaced by G.
Protein change: p.His1492Arg; replaces histidine 1492 with arginine.
Molecular consequence: missense variant.
Genome position (GRCh38, 1-based): chr1:10,365,208, A>G. VCF-style: chr1-10365208-A-G. GRCh37 (hg19) VCF-style: chr1-10425266-A-G.
Other names: c.4475A>G, p.His1492Arg (NM_001365952.1); c.4337A>G, p.His1446Arg (NM_015074.3); short protein forms H1446R, H1492R.
Identifiers: ClinVar variation 4092295 (VCV004092295.1).